The following is an entry in ClinVar:

ClinVar aggregate classification (germline): Uncertain significance (1 of 4 stars; one submission).

Submission:

GeneDx
Classification: Uncertain significance. Last evaluated: 2024-07-19. Review status: criteria provided, single submitter. Criteria: GeneDx Variant Classification Process June 2021. Collection method: clinical testing. Allele origin: germline. Affected: yes.
Comment: Has not been previously published as pathogenic or benign to our knowledge; Not observed at significant frequency in large population cohorts (gnomAD); In silico analysis indicates that this variant does not alter protein structure/function; In-frame deletion of 1 amino acid in a non-repeat region

NM_001079872.2(CUL4B):c.37GCT[4] (p.Ala17del)

Genes: CUL4B (cullin 4B; minus strand), LOC113845788 (Sharpr-MPRA regulatory region 11856; plus strand). Cytogenetic location: Xq24.
Variant type: Microsatellite.
Coding change: c.37GCT[4] on transcript NM_001079872.2 (MANE Select); four copies in a row of the 3-base unit GCT starting at c.37; the reference has five copies in a row; one copy, 3 bases deleted.
Protein change: p.Ala17del; deletes alanine 17.
Molecular consequence: inframe deletion.
Genome position (GRCh38, 1-based): chrX:120,560,588-120,560,590, AGC deleted on the plus strand (GCT on the coding strand, the reverse complement: CUL4B is on the minus strand); deleting any 3 consecutive bases within chrX:120,560,588-120,560,602 gives the same sequence; the position shown is the placement nearest the transcript's 3' end. VCF-style (leftmost placement, unchanged base first): chrX-120560587-GAGC-G. GRCh37 (hg19) VCF-style: chrX-119694442-GAGC-G.
Other names: c.52GCT[4], p.Ala22del (NM_001330624.2); c.91GCT[4], p.Ala35del (NM_003588.4); short protein forms A17del, A22del, A35del.
Identifiers: ClinVar variation 3573624 (VCV003573624.1).